The following is an entry in ClinVar:

ClinVar aggregate classification (germline): Uncertain significance (1 of 4 stars; one submission).

Conditions:
Leigh syndrome (NULS). Also called: Leigh's necrotizing encephalopathy; Leigh's disease; Leigh's syndrome; LEIGH SYNDROME, NUCLEAR; Leigh Syndrome (mtDNA deletion); Leigh Disease. Identifiers: Orphanet 506, MedGen C2931891, MONDO:0009723, OMIM 256000.

Submission:

Wong Mito Lab, Molecular and Human Genetics, Baylor College of Medicine
Classification: Uncertain significance for Leigh syndrome. Last evaluated: 2019-10-17. Review status: criteria provided, single submitter. Criteria: Modified ACMG Guidelines (Unpublished). Collection method: clinical testing. Allele origin: germline.
Comment: The NC_012920.1:m.14020T>G (YP_003024036.1:p.Leu562Val) variant in MTND5 gene is interpretated to be a Uncertain Significance variant based on the modified ACMG guidelines (unpublished). This variant meets the following evidence codes: BS4, PP7

NC_012920.1(MT-ND5):m.14020T>G

Gene: MT-ND5 (mitochondrially encoded NADH dehydrogenase 5; plus strand).
Variant type: single nucleotide variant.
Genome position: chrM-14020-T-G.
Identifiers: ClinVar variation 693649 (VCV000693649.1), dbSNP rs1556424369, ClinGen allele CA414820530.